The following is an entry in ClinVar:

NM_030665.4(RAI1):c.4828A>G (p.Ile1610Val)

Gene: RAI1 (retinoic acid induced 1; plus strand). Cytogenetic location: 17p11.2.
Variant type: single nucleotide variant.
Coding change: c.4828A>G on transcript NM_030665.4 (MANE Select); coding-DNA position 4828, A replaced by G.
Protein change: p.Ile1610Val; replaces isoleucine 1610 with valine.
Molecular consequence: missense variant.
Genome position (GRCh38, 1-based): chr17:17,797,776, A>G. VCF-style: chr17-17797776-A-G. GRCh37 (hg19) VCF-style: chr17-17701090-A-G.
Other names: short protein forms I1610V.
Identifiers: ClinVar variation 1509665 (VCV001509665.6), dbSNP rs2143003237, ClinGen allele CA398557652.
Genomic context (GRCh38, chr17:17,797,776, plus strand): 5'-AGCCGGACCCCCGCCTTCTCACCCTTCGTGCGGGTGGAGAAGCGAGACGCGTTCACCACC[A>G]TATGCACTGTTGTCAACTCCCCTGGAGATGCGCCCAAGCCCCACAGGAAGCCTTCCTCCT-3'
Protein context (NP_109590.3, residues 1600-1620): RVEKRDAFTT[Ile1610Val]CTVVNSPGDA

ClinVar aggregate classification (germline): Uncertain significance (1 of 4 stars; one submission).

gnomAD v4.1: 2 of 1,614,062 alleles (0.00012%); highest among the groups gnomAD compares: East Asian, 0.0022%; no homozygotes.

Submission:

Labcorp Genetics (formerly Invitae), Labcorp
Classification: Uncertain significance. Last evaluated: 2022-11-15. Review status: criteria provided, single submitter. Criteria: Invitae Variant Classification Sherloc (09022015). Collection method: clinical testing. Allele origin: germline.
Comment: ClinVar contains an entry for this variant (Variation ID: 1509665). In summary, the available evidence is currently insufficient to determine the role of this variant in disease. Therefore, it has been classified as a Variant of Uncertain Significance. Advanced modeling of protein sequence and biophysical properties (such as structural, functional, and spatial information, amino acid conservation, physicochemical variation, residue mobility, and thermodynamic stability) performed at Invitae indicates that this missense variant is not expected to disrupt RAI1 protein function. This variant has not been reported in the literature in individuals affected with RAI1-related conditions. This variant is not present in population databases (gnomAD no frequency). This sequence change replaces isoleucine, which is neutral and non-polar, with valine, which is neutral and non-polar, at codon 1610 of the RAI1 protein (p.Ile1610Val).